The following is an entry in ClinVar:

NM_001368397.1(FRMPD4):c.3202G>T (p.Val1068Leu)

Gene: FRMPD4 (FERM and PDZ domain containing 4; plus strand). Cytogenetic location: Xp22.2.
Variant type: single nucleotide variant.
Coding change: c.3202G>T on transcript NM_001368397.1 (MANE Select); coding-DNA position 3202, G replaced by T.
Protein change: p.Val1068Leu; replaces valine 1068 with leucine.
Molecular consequence: missense variant.
Genome position (GRCh38, 1-based): chrX:12,718,028, G>T. VCF-style: chrX-12718028-G-T. GRCh37 (hg19) VCF-style: chrX-12736147-G-T.
Other names: c.3313G>T, p.Val1105Leu (NM_001368395.3, NM_001368398.3); c.3208G>T, p.Val1070Leu (NM_001368396.3); c.3193G>T, p.Val1065Leu (NM_001368399.3); c.3082G>T, p.Val1028Leu (NM_001368400.3); c.3178G>T, p.Val1060Leu (NM_001368401.1, NM_001368402.3); c.3202G>T, p.Val1068Leu (NM_014728.3); short protein forms V1028L, V1060L, V1065L, V1068L, V1070L, V1105L.
Identifiers: ClinVar variation 2430543 (VCV002430543.1), dbSNP rs2519861434, ClinGen allele CA412317500.

ClinVar aggregate classification (germline): Uncertain significance (1 of 4 stars; one submission).

Allele frequency attached by ClinVar (database versions not stated): gnomAD exomes below 0.00001.
gnomAD v4.1: 1 of 1,211,861 alleles (0.000083%); highest among the groups gnomAD compares: Non-Finnish European, 0.00011%; no homozygotes.

Submission:

GeneDx
Classification: Uncertain significance. Last evaluated: 2022-08-23. Review status: criteria provided, single submitter. Criteria: GeneDx Variant Classification Process June 2021. Collection method: clinical testing. Allele origin: germline. Affected: yes.
Comment: Not observed at significant frequency in large population cohorts (gnomAD); In silico analysis supports that this missense variant does not alter protein structure/function; Has not been previously published as pathogenic or benign to our knowledge